The following is an entry in ClinVar:

ClinVar aggregate classification (germline): Uncertain significance (1 of 4 stars; one submission).

gnomAD v4.1: 5 of 1,482,486 alleles (0.00034%); highest among the groups gnomAD compares: Non-Finnish European, 0.00045%; no homozygotes.

Submission:

Ambry Genetics
Classification: Uncertain significance. Last evaluated: 2023-07-09. Review status: criteria provided, single submitter. Criteria: Ambry Variant Classification Scheme 2023. Collection method: clinical testing. Allele origin: germline.
Comment: The p.T874R variant (also known as c.2621C>G), located in coding exon 24 of the PRKDC gene, results from a C to G substitution at nucleotide position 2621. The threonine at codon 874 is replaced by arginine, an amino acid with similar properties. This amino acid position is conserved. In addition, this alteration is predicted to be tolerated by in silico analysis. Since supporting evidence is limited at this time, the clinical significance of this alteration remains unclear.

NM_006904.7(PRKDC):c.2621C>G (p.Thr874Arg)

Gene: PRKDC (protein kinase, DNA-activated, catalytic subunit; minus strand). Cytogenetic location: 8q11.21.
Variant type: single nucleotide variant.
Coding change: c.2621C>G on transcript NM_006904.7 (MANE Select); coding-DNA position 2621, C replaced by G.
Protein change: p.Thr874Arg; replaces threonine 874 with arginine.
Molecular consequence: missense variant.
Genome position (GRCh38, 1-based): chr8:47,914,061, G>C on the plus strand (C>G on the coding strand, the complement: PRKDC is on the minus strand). VCF-style: chr8-47914061-G-C. GRCh37 (hg19) VCF-style: chr8-48826621-G-C.
Other names: c.2621C>G, p.Thr874Arg (NM_001081640.2); short protein forms T874R.
Identifiers: ClinVar variation 2624563 (VCV002624563.2), dbSNP rs776803808, ClinGen allele CA176160245.